The following is an entry in ClinVar:

ClinVar aggregate classification (germline): Likely pathogenic (1 of 4 stars; one submission).

Conditions:
Kartagener syndrome (CILD1). Also called: SIEWERT SYNDROME; CILIARY DYSKINESIA, PRIMARY, 1; CILIARY DYSKINESIA, PRIMARY, 1, WITH OR WITHOUT SITUS INVERSUS; IMMOTILE CILIA SYNDROME; POLYNESIAN BRONCHIECTASIS; Dextrocardia bronchiectasis and sinusitis. Identifiers: Orphanet 244, MedGen C4551906, MONDO:0009484, OMIM 244400.

Submission:

Coskunpinar Laboratory, Saglik Bilimleri University, Hamidiye School of Medicine
Classification: Likely pathogenic for Kartagener syndrome. Last evaluated: 2026-02-02. Review status: criteria provided, single submitter. Criteria: ACMG Guidelines, 2015. Collection method: research. Allele origin: germline. Affected: yes. Observed: 2 variant alleles, 2 homozygotes.
Comment: A previously reported frameshift variant, NM_012144.4:c.1333_1334insC, in an established primary ciliary dyskinesia gene (OMIM:244400), previously described in a primary ciliary dyskinesia case (PMID: 35547246), was observed in cis with a novel missense variant (c.1335G>T). When present together on the same allele, these changes result in an earlier frameshift and premature termination, which we report as a single combined variant according to HGVS nomenclature, as verified using Mutalyzer. Classification is consistent with Qiagen Clinical Insight Interpret assessment which implements ACMG/AMP variant interpretation guidelines.

Literature cited by the submitters: PubMed 35547246.

NM_012144.4(DNAI1):c.1334_1335delinsCTT (p.Met445fs)

Gene: DNAI1 (dynein axonemal intermediate chain 1; plus strand). Cytogenetic location: 9p13.3.
Variant type: Indel.
Coding change: c.1334_1335delinsCTT on transcript NM_012144.4 (MANE Select); coding-DNA positions 1334 to 1335, TG replaced by CTT.
Protein change: p.Met445fs; shifts the reading frame from methionine 445.
Molecular consequence: frameshift variant.
Genome position (GRCh38, 1-based): chr9:34,512,131-34,512,132, TG replaced by CTT. VCF-style: chr9-34512131-TG-CTT. GRCh37 (hg19) VCF-style: chr9-34512129-TG-CTT.
Other names: p.Met445Thrfs*2; c.1346_1347delinsCTT, p.Met449fs (NM_001281428.2); c.1334_1335delTGinsCTT (NM_012144.4); short protein forms M445fs, M449fs.
Identifiers: ClinVar variation 4795798 (VCV004795798.1).